The following is an entry in ClinVar:

NM_001079802.2(FKTN):c.425G>A (p.Ser142Asn)

Gene: FKTN (fukutin; plus strand). Cytogenetic location: 9q31.2.
Variant type: single nucleotide variant.
Coding change: c.425G>A on transcript NM_001079802.2 (MANE Select); coding-DNA position 425, G replaced by A.
Protein change: p.Ser142Asn; replaces serine 142 with asparagine.
Molecular consequence: missense variant. On other transcripts: non-coding transcript variant (2).
Genome position (GRCh38, 1-based): chr9:105,604,270, G>A. VCF-style: chr9-105604270-G-A. GRCh37 (hg19) VCF-style: chr9-108366551-G-A.
Other names: c.425G>A, p.Ser142Asn (NM_001198963.2, NM_001351496.2, NM_001351498.2 and 1 more transcripts); c.356G>A, p.Ser119Asn (NM_001351497.2); c.29G>A, p.Ser10Asn (NM_001351499.2, NM_001351500.2, NM_001351501.2 and 1 more transcripts); short protein forms S119N, S142N, S10N.
Identifiers: ClinVar variation 961022 (VCV000961022.9), dbSNP rs745597550, ClinGen allele CA374331976.

ClinVar aggregate classification (germline): Uncertain significance (1 of 4 stars; one submission).

Conditions:
Walker-Warburg congenital muscular dystrophy. Also called: Muscular dystrophy-dystroglycanopathy, type A; Walker-Warburg syndrome. Identifiers: Orphanet 899, MedGen C0265221, MONDO:0000171.

Submission:

Labcorp Genetics (formerly Invitae), Labcorp
Classification: Uncertain significance for Walker-Warburg congenital muscular dystrophy. Last evaluated: 2022-11-01. Review status: criteria provided, single submitter. Criteria: Invitae Variant Classification Sherloc (09022015). Collection method: clinical testing. Allele origin: germline.
Comment: ClinVar contains an entry for this variant (Variation ID: 961022). This variant has not been reported in the literature in individuals affected with FKTN-related conditions. This variant is not present in population databases (gnomAD no frequency). This sequence change replaces serine, which is neutral and polar, with asparagine, which is neutral and polar, at codon 142 of the FKTN protein (p.Ser142Asn). Advanced modeling of protein sequence and biophysical properties (such as structural, functional, and spatial information, amino acid conservation, physicochemical variation, residue mobility, and thermodynamic stability) performed at Invitae indicates that this missense variant is not expected to disrupt FKTN protein function. In summary, the available evidence is currently insufficient to determine the role of this variant in disease. Therefore, it has been classified as a Variant of Uncertain Significance.